The following is an entry in ClinVar:

NM_000387.6(SLC25A20):c.868G>A (p.Ala290Thr)

Gene: SLC25A20 (solute carrier family 25 member 20; minus strand). Cytogenetic location: 3p21.31.
Variant type: single nucleotide variant.
Coding change: c.868G>A on transcript NM_000387.6 (MANE Select); coding-DNA position 868, G replaced by A.
Protein change: p.Ala290Thr; replaces alanine 290 with threonine.
Molecular consequence: missense variant.
Genome position (GRCh38, 1-based): chr3:48,857,748, C>T on the plus strand (G>A on the coding strand, the complement: SLC25A20 is on the minus strand). VCF-style: chr3-48857748-C-T. GRCh37 (hg19) VCF-style: chr3-48895181-C-T.
Other names: short protein forms A290T.
Identifiers: ClinVar variation 1970522 (VCV001970522.2), dbSNP rs932562915, ClinGen allele CA73980426.

ClinVar aggregate classification (germline): Uncertain significance (1 of 4 stars; one submission).

Conditions:
Carnitine acylcarnitine translocase deficiency (CACTD). Identifiers: Orphanet 159, MedGen C0342791, MONDO:0008918, OMIM 212138.

Allele frequency attached by ClinVar (database versions not stated): TOPMed below 0.00001; gnomAD exomes 0.00001.
gnomAD v4.1: 13 of 1,613,776 alleles (0.00081%); highest among the groups gnomAD compares: Non-Finnish European, 0.0011%; no homozygotes.

Submission:

Labcorp Genetics (formerly Invitae), Labcorp
Classification: Uncertain significance for Carnitine acylcarnitine translocase deficiency. Last evaluated: 2022-04-09. Review status: criteria provided, single submitter. Criteria: Invitae Variant Classification Sherloc (09022015). Collection method: clinical testing. Allele origin: germline.
Comment: This sequence change replaces alanine, which is neutral and non-polar, with threonine, which is neutral and polar, at codon 290 of the SLC25A20 protein (p.Ala290Thr). This variant is present in population databases (no rsID available, gnomAD 0.0009%). This variant has not been reported in the literature in individuals affected with SLC25A20-related conditions. Algorithms developed to predict the effect of missense changes on protein structure and function (SIFT, PolyPhen-2, Align-GVGD) all suggest that this variant is likely to be tolerated. In summary, the available evidence is currently insufficient to determine the role of this variant in disease. Therefore, it has been classified as a Variant of Uncertain Significance.